The following is an entry in ClinVar:

NM_001184880.2(PCDH19):c.115A>C (p.Ile39Leu)

Gene: PCDH19 (protocadherin 19; minus strand). Cytogenetic location: Xq22.1.
Variant type: single nucleotide variant.
Coding change: c.115A>C on transcript NM_001184880.2 (MANE Select); coding-DNA position 115, A replaced by C.
Protein change: p.Ile39Leu; replaces isoleucine 39 with leucine.
Molecular consequence: missense variant.
Genome position (GRCh38, 1-based): chrX:100,408,483, T>G on the plus strand (A>C on the coding strand, the complement: PCDH19 is on the minus strand). VCF-style: chrX-100408483-T-G. GRCh37 (hg19) VCF-style: chrX-99663481-T-G.
Other names: c.115A>C, p.Ile39Leu (NM_001105243.2, NM_020766.3); short protein forms I39L.
Identifiers: ClinVar variation 2124852 (VCV002124852.4), dbSNP rs2520998383, ClinGen allele CA414011345.

ClinVar aggregate classification (germline): Uncertain significance (1 of 4 stars; one submission).

Conditions:
Developmental and epileptic encephalopathy, 9 (DEE9). Also called: Early infantile epileptic encephalopathy 9; JUBERG-HELLMAN SYNDROME; PCDH19-Related X-Linked Female-Limited Epilepsy with Mental Retardation; EPILEPSY, FEMALE-RESTRICTED, WITH MENTAL RETARDATION. Identifiers: Orphanet 101039, Orphanet 2076, MedGen C1848137, MONDO:0010246, OMIM 300088. Disease mechanism: loss of function.

Submission:

Labcorp Genetics (formerly Invitae), Labcorp
Classification: Uncertain significance for Developmental and epileptic encephalopathy, 9. Last evaluated: 2024-03-04. Review status: criteria provided, single submitter. Criteria: Invitae Variant Classification Sherloc (09022015). Collection method: clinical testing. Allele origin: germline.
Comment: This sequence change replaces isoleucine, which is neutral and non-polar, with leucine, which is neutral and non-polar, at codon 39 of the PCDH19 protein (p.Ile39Leu). This variant is not present in population databases (gnomAD no frequency). This variant has not been reported in the literature in individuals affected with PCDH19-related conditions. ClinVar contains an entry for this variant (Variation ID: 2124852). Advanced modeling of protein sequence and biophysical properties (such as structural, functional, and spatial information, amino acid conservation, physicochemical variation, residue mobility, and thermodynamic stability) has been performed at Invitae for this missense variant, however the output from this modeling did not meet the statistical confidence thresholds required to predict the impact of this variant on PCDH19 protein function. In summary, the available evidence is currently insufficient to determine the role of this variant in disease. Therefore, it has been classified as a Variant of Uncertain Significance.